The following is an entry in ClinVar:

NM_001005373.4(LRSAM1):c.442G>C (p.Glu148Gln)

Gene: LRSAM1 (leucine rich repeat and sterile alpha motif containing 1; plus strand). Cytogenetic location: 9q33.3.
Variant type: single nucleotide variant.
Coding change: c.442G>C on transcript NM_001005373.4 (MANE Select); coding-DNA position 442, G replaced by C.
Protein change: p.Glu148Gln; replaces glutamic acid 148 with glutamine.
Molecular consequence: missense variant. On other transcripts: 5 prime UTR variant (1), non-coding transcript variant (2).
Genome position (GRCh38, 1-based): chr9:127,462,287, G>C. VCF-style: chr9-127462287-G-C. GRCh37 (hg19) VCF-style: chr9-130224566-G-C.
Other names: c.442G>C, p.Glu148Gln (NM_001005374.4, NM_001190723.3, NM_001384142.1 and 2 more transcripts); c.-343G>C (NM_001384144.1); short protein forms E148Q.
Identifiers: ClinVar variation 3682585 (VCV003682585.2).

ClinVar aggregate classification (germline): Uncertain significance (1 of 4 stars; one submission).

Conditions:
Charcot-Marie-Tooth disease axonal type 2P. Also called: CHARCOT-MARIE-TOOTH NEUROPATHY, TYPE 2P; CHARCOT-MARIE-TOOTH DISEASE, AXONAL, TYPE 2G; CMT 2G; Charcot-Marie-Tooth Neuropathy Type 2G. Identifiers: Orphanet 300319, Orphanet 99941, MedGen C3280797, MONDO:0013753, OMIM 614436.

gnomAD v4.1: 1 of 1,614,100 alleles (0.000062%); highest among the groups gnomAD compares: Non-Finnish European, 0.000085%; no homozygotes.

Submission:

Labcorp Genetics (formerly Invitae), Labcorp
Classification: Uncertain significance for Charcot-Marie-Tooth disease axonal type 2P. Last evaluated: 2024-11-24. Review status: criteria provided, single submitter. Criteria: Invitae Variant Classification Sherloc (09022015). Collection method: clinical testing. Allele origin: germline.
Comment: This sequence change replaces glutamic acid, which is acidic and polar, with glutamine, which is neutral and polar, at codon 148 of the LRSAM1 protein (p.Glu148Gln). This variant is not present in population databases (gnomAD no frequency). This variant has not been reported in the literature in individuals affected with LRSAM1-related conditions. Invitae Evidence Modeling of protein sequence and biophysical properties (such as structural, functional, and spatial information, amino acid conservation, physicochemical variation, residue mobility, and thermodynamic stability) indicates that this missense variant is not expected to disrupt LRSAM1 protein function with a negative predictive value of 80%. In summary, the available evidence is currently insufficient to determine the role of this variant in disease. Therefore, it has been classified as a Variant of Uncertain Significance.